The following is an entry in ClinVar:

NM_006379.5(SEMA3C):c.1839A>G (p.Lys613=)

Gene: SEMA3C (semaphorin 3C; minus strand). Cytogenetic location: 7q21.11.
Variant type: single nucleotide variant.
Coding change: c.1839A>G on transcript NM_006379.5 (MANE Select); coding-DNA position 1839, A replaced by G.
Protein change: p.Lys613=; no amino-acid change (lysine 613 retained).
Molecular consequence: synonymous variant.
Genome position (GRCh38, 1-based): chr7:80,748,901, T>C on the plus strand (A>G on the coding strand, the complement: SEMA3C is on the minus strand). VCF-style: chr7-80748901-T-C. GRCh37 (hg19) VCF-style: chr7-80378217-T-C.
Other names: c.1893A>G, p.Lys631= (NM_001350120.2); c.1665A>G, p.Lys555= (NM_001350121.2).
Identifiers: ClinVar variation 3051955 (VCV003051955.2), dbSNP rs1024082698, ClinGen allele CA161045086.

ClinVar aggregate classification (germline): Likely benign (0 of 4 stars; one submission).

Conditions:
SEMA3C-related disorder. Also called: SEMA3C-related condition.

Allele frequency attached by ClinVar (database versions not stated): gnomAD 0.00001; gnomAD exomes 0.00001; TOPMed 0.00001.
gnomAD v4.1: 21 of 1,610,944 alleles (0.0013%); highest among the groups gnomAD compares: East Asian, 0.0022%; no homozygotes.

Submission:

PreventionGenetics, part of Exact Sciences
Classification: Likely benign for SEMA3C-related condition. Last evaluated: 2022-04-13. Review status: no assertion criteria provided. Collection method: clinical testing. Allele origin: germline.
Comment: This variant is classified as likely benign based on ACMG/AMP sequence variant interpretation guidelines (Richards et al. 2015 PMID: 25741868, with internal and published modifications).